The following is an entry in ClinVar:

ClinVar aggregate classification (germline): Pathogenic (1 of 4 stars; one submission).

Conditions:
Lysinuric protein intolerance (LPI). Identifiers: Orphanet 470, MedGen C0268647, MONDO:0009109, OMIM 222700.

Submission:

Labcorp Genetics (formerly Invitae), Labcorp
Classification: Pathogenic for Lysinuric protein intolerance. Last evaluated: 2023-03-18. Review status: criteria provided, single submitter. Criteria: Invitae Variant Classification Sherloc (09022015). Collection method: clinical testing. Allele origin: germline.
Comment: For these reasons, this variant has been classified as Pathogenic. This variant has not been reported in the literature in individuals affected with SLC7A7-related conditions. This variant is not present in population databases (gnomAD no frequency). This sequence change creates a premature translational stop signal (p.Leu324Cysfs*3) in the SLC7A7 gene. It is expected to result in an absent or disrupted protein product. Loss-of-function variants in SLC7A7 are known to be pathogenic (PMID: 10631139, 17764084).

Literature cited by the submitters: PubMed 10631139; PubMed 17764084.

NM_003982.4(SLC7A7):c.970_989del (p.Leu324fs)

Gene: SLC7A7 (solute carrier family 7 member 7; minus strand). Cytogenetic location: 14q11.2.
Variant type: Deletion.
Coding change: c.970_989del on transcript NM_003982.4 (MANE Select); coding-DNA positions 970 to 989, 20 bases deleted (CTCAATGCCTCCATTGTGGC).
Protein change: p.Leu324fs; shifts the reading frame from leucine 324.
Molecular consequence: frameshift variant.
Genome position (GRCh38, 1-based): chr14:22,775,842-22,775,861, GCCACAATGGAGGCATTGAG deleted on the plus strand (CTCAATGCCTCCATTGTGGC on the coding strand, the reverse complement: SLC7A7 is on the minus strand); deleting any 20 consecutive bases within chr14:22,775,842-22,775,866 gives the same sequence; the c. name uses the placement nearest the transcript's 3' end. VCF-style (leftmost placement, unchanged base first): chr14-22775841-AGCCACAATGGAGGCATTGAG-A. GRCh37 (hg19) VCF-style: chr14-23245050-AGCCACAATGGAGGCATTGAG-A.
Other names: c.970_989del, p.Leu324fs (NM_001126105.3, NM_001126106.4); short protein forms L324fs.
Identifiers: ClinVar variation 2846912 (VCV002846912.3), dbSNP rs2501844173, ClinGen allele CA2739277796.